The following is an entry in ClinVar:

NM_006648.4(WNK2):c.4439C>T (p.Pro1480Leu)

Gene: WNK2 (WNK lysine deficient protein kinase 2; plus strand). Cytogenetic location: 9q22.31.
Variant type: single nucleotide variant.
Coding change: c.4439C>T on transcript NM_006648.4 (MANE Select); coding-DNA position 4439, C replaced by T.
Protein change: p.Pro1480Leu; replaces proline 1480 with leucine.
Molecular consequence: missense variant.
Genome position (GRCh38, 1-based): chr9:93,289,193, C>T. VCF-style: chr9-93289193-C-T. GRCh37 (hg19) VCF-style: chr9-96051475-C-T.
Other names: c.4550C>T, p.Pro1517Leu (NM_001282394.3); short protein forms P1517L, P1480L.
Identifiers: ClinVar variation 4201563 (VCV004201563.1).

ClinVar aggregate classification (germline): Uncertain significance (1 of 4 stars; one submission).

gnomAD v4.1: 1 of 1,602,198 alleles (0.000062%); highest among the groups gnomAD compares: African/African-American, 0.0013%; no homozygotes.

Submission:

Ambry Genetics
Classification: Uncertain significance. Last evaluated: 2025-06-25. Review status: criteria provided, single submitter. Criteria: Ambry Variant Classification Scheme 2023. Collection method: clinical testing. Allele origin: germline.
Comment: The p.P1480L variant (also known as c.4439C>T), located in coding exon 19 of the WNK2 gene, results from a C to T substitution at nucleotide position 4439. The proline at codon 1480 is replaced by leucine, an amino acid with similar properties. This amino acid position is conserved. In addition, this alteration is predicted to be tolerated by in silico analysis. Based on the available evidence, the clinical significance of this variant remains unclear.